The following is an entry in ClinVar:

NM_002860.4(ALDH18A1):c.2241C>T (p.His747=)

Gene: ALDH18A1 (aldehyde dehydrogenase 18 family member A1; minus strand). Cytogenetic location: 10q24.1.
Variant type: single nucleotide variant.
Coding change: c.2241C>T on transcript NM_002860.4 (MANE Select); coding-DNA position 2241, C replaced by T.
Protein change: p.His747=; no amino-acid change (histidine 747 retained).
Molecular consequence: synonymous variant.
Genome position (GRCh38, 1-based): chr10:95,606,909, G>A on the plus strand (C>T on the coding strand, the complement: ALDH18A1 is on the minus strand). VCF-style: chr10-95606909-G-A. GRCh37 (hg19) VCF-style: chr10-97366666-G-A.
Other names: c.2235C>T, p.His745= (NM_001017423.2, NM_001323415.2); c.1908C>T, p.His636= (NM_001323412.2, NM_001323416.2); c.2241C>T, p.His747= (NM_001323413.2, NM_001323414.2); c.2136C>T, p.His712= (NM_001323417.2); c.1902C>T, p.His634= (NM_001323418.2); c.1605C>T, p.His535= (NM_001323419.2).
Identifiers: ClinVar variation 1956698 (VCV001956698.12), dbSNP rs759016790, ClinGen allele CA5620099.

ClinVar aggregate classification (germline): Likely benign. Review status: criteria provided, multiple submitters, no conflicts (2 of 4 stars). 2 submissions from 2 submitters: Likely benign (2). Last evaluated 2026-04-01.

Conditions:
de Barsy syndrome. Also called: Cutis laxa-corneal clouding-oligophrenia syndrome. Identifiers: Orphanet 2962, MedGen C0268354, MONDO:0017569.
Autosomal dominant spastic paraplegia type 9. Identifiers: MedGen C1832669, MONDO:0015091.
Cutis laxa, autosomal dominant 3 (ADCL3). Identifiers: Orphanet 90348, MedGen C4225268, MONDO:0014706, OMIM 616603.

Allele frequency attached by ClinVar (database versions not stated): TOPMed 0.00001; gnomAD 0.00002; gnomAD exomes 0.00002; ExAC 0.00006.
gnomAD v4.1: 39 of 1,614,012 alleles (0.0024%); highest among the groups gnomAD compares: South Asian, 0.025%; no homozygotes.

Submissions (2):

CeGaT Center for Human Genetics Tuebingen
Classification: Likely benign. Last evaluated: 2026-04-01. Review status: criteria provided, single submitter. Criteria: CeGaT Center For Human Genetics Tuebingen Variant Classification Criteria Version 2. Collection method: clinical testing. Allele origin: germline. Affected: yes. Observed: 2 variant alleles.
Comment: ALDH18A1: BP4, BP7

Labcorp Genetics (formerly Invitae), Labcorp
Classification: Likely benign for Autosomal dominant spastic paraplegia type 9; de Barsy syndrome; Cutis laxa, autosomal dominant 3. Last evaluated: 2025-07-02. Review status: criteria provided, single submitter. Criteria: Invitae Variant Classification Sherloc (09022015). Collection method: clinical testing. Allele origin: germline.